The following is an entry in ClinVar:

NM_014003.4(DHX38):c.791A>G (p.Asp264Gly)

Gene: DHX38 (DEAH-box helicase 38; plus strand). Cytogenetic location: 16q22.2.
Variant type: single nucleotide variant.
Coding change: c.791A>G on transcript NM_014003.4 (MANE Select); coding-DNA position 791, A replaced by G.
Protein change: p.Asp264Gly; replaces aspartic acid 264 with glycine.
Molecular consequence: missense variant.
Genome position (GRCh38, 1-based): chr16:72,098,953, A>G. VCF-style: chr16-72098953-A-G. GRCh37 (hg19) VCF-style: chr16-72132852-A-G.
Other names: short protein forms D264G.
Identifiers: ClinVar variation 957862 (VCV000957862.9), dbSNP rs2042059185, ClinGen allele CA396703307.
Genomic context (GRCh38, chr16:72,098,953, plus strand): 5'-GACAGTTTTGTGATGCTGGTGCTGCTGTTCCCAGGTCTGTGAGGGGCAAGTACTCGGATG[A>G]CACGCCTCTGCCAACTCCCTCCTACAAATATAACGAGTGGGCCGATGACAGAAGACACTT-3'
Protein context (NP_054722.2, residues 254-274): DRSVRGKYSD[Asp264Gly]TPLPTPSYKY

ClinVar aggregate classification (germline): Uncertain significance (1 of 4 stars; one submission).

Submission:

Labcorp Genetics (formerly Invitae), Labcorp
Classification: Uncertain significance. Last evaluated: 2022-06-13. Review status: criteria provided, single submitter. Criteria: Invitae Variant Classification Sherloc (09022015). Collection method: clinical testing. Allele origin: germline.
Comment: This sequence change replaces aspartic acid, which is acidic and polar, with glycine, which is neutral and non-polar, at codon 264 of the DHX38 protein (p.Asp264Gly). This variant is not present in population databases (gnomAD no frequency). This variant has not been reported in the literature in individuals affected with DHX38-related conditions. ClinVar contains an entry for this variant (Variation ID: 957862). Algorithms developed to predict the effect of missense changes on protein structure and function are either unavailable or do not agree on the potential impact of this missense change (SIFT: "Deleterious"; PolyPhen-2: "Benign"; Align-GVGD: "Class C0"). In summary, the available evidence is currently insufficient to determine the role of this variant in disease. Therefore, it has been classified as a Variant of Uncertain Significance.